The following is an entry in ClinVar:

NM_005921.2(MAP3K1):c.632T>A (p.Val211Glu)

Gene: MAP3K1 (mitogen-activated protein kinase kinase kinase 1; plus strand). Cytogenetic location: 5q11.2.
Variant type: single nucleotide variant.
Coding change: c.632T>A on transcript NM_005921.2 (MANE Select); coding-DNA position 632, T replaced by A.
Protein change: p.Val211Glu; replaces valine 211 with glutamic acid.
Molecular consequence: missense variant.
Genome position (GRCh38, 1-based): chr5:56,856,749, T>A. VCF-style: chr5-56856749-T-A. GRCh37 (hg19) VCF-style: chr5-56152576-T-A.
Other names: short protein forms V211E.
Identifiers: ClinVar variation 5020014 (VCV005020014.1).

ClinVar aggregate classification (germline): Uncertain significance (1 of 4 stars; one submission).

Conditions:
46,XY sex reversal 6. Also called: 46,XY GONADAL DYSGENESIS, PARTIAL OR COMPLETE, MAP3K1-RELATED; 46,XY SEX REVERSAL, PARTIAL OR COMPLETE, MAP3K1-RELATED. Identifiers: MedGen C3151064, MONDO:0013410, OMIM 613762.

Submission:

Juno Genomics, Hangzhou Juno Genomics, Inc
Classification: Uncertain significance for 46,XY sex reversal 6. Review status: criteria provided, single submitter. Criteria: ACMG Guidelines, 2015. Collection method: clinical testing. Allele origin: germline. Affected: yes.
Comment: Absent from controls (or at extremely low frequency if recessive) in Genome Aggregation Database.;Patient's phenotype or family history is highly specific for a disease with a single genetic etiology.